The following is an entry in ClinVar:

ClinVar aggregate classification (germline): Benign (1 of 4 stars; one submission).

Conditions:
Diaphyseal medullary stenosis-bone malignancy syndrome. Also called: MYOPATHY, LIMB-GIRDLE, WITH BONE FRAGILITY; BONE DYSPLASIA WITH MALIGNANT FIBROUS HISTIOCYTOMA; BONE DYSPLASIA WITH MEDULLARY FIBROSARCOMA. Identifiers: Orphanet 85182, MedGen C1862177, MONDO:0007205, OMIM 112250.

Allele frequency attached by ClinVar (database versions not stated): gnomAD 0.00882 and 0.00948; 1000 Genomes Project 30x 0.00937; gnomAD exomes 0.00071; 1000 Genomes Project 0.00879; TOPMed 0.01050.
gnomAD v4.1: 1,919 of 965,190 alleles (0.2%); highest among the groups gnomAD compares: African/African-American, 3.1%; 19 homozygotes.

Submission:

Illumina Laboratory Services, Illumina
Classification: Benign for Diaphyseal medullary stenosis-bone malignancy syndrome. Last evaluated: 2018-01-12. Review status: criteria provided, single submitter. Criteria: ICSL Variant Classification Criteria 13 December 2019. Collection method: clinical testing. Allele origin: germline.
Comment: This variant was observed in the ICSL laboratory as part of a predisposition screen in an ostensibly healthy population. It had not been previously curated by ICSL or reported in the Human Gene Mutation Database (HGMD: prior to June 1st, 2018), and was therefore a candidate for classification through an automated scoring system. Utilizing variant allele frequency, disease prevalence and penetrance estimates, and inheritance mode, an automated score was calculated to assess if this variant is too frequent to cause the disease. Based on the score and internal cut-off values, a variant classified as benign is not then subjected to further curation. The score for this variant resulted in a classification of benign for this disease.

NM_002451.4(MTAP):c.*1181A>G

Gene: MTAP (methylthioadenosine phosphorylase; plus strand). Cytogenetic location: 9p21.3.
Variant type: single nucleotide variant.
Coding change: c.*1181A>G on transcript NM_002451.4 (MANE Select); 1181 bases downstream of the stop codon, A replaced by G.
Molecular consequence: 3 prime UTR variant.
Genome position (GRCh38, 1-based): chr9:21,863,195, A>G. VCF-style: chr9-21863195-A-G. GRCh37 (hg19) VCF-style: chr9-21863194-A-G.
Identifiers: ClinVar variation 366274 (VCV000366274.5), dbSNP rs182505150, ClinGen allele CA10629780.